The following is an entry in ClinVar:

NM_000355.4(TCN2):c.343A>G (p.Asn115Asp)

Gene: TCN2 (transcobalamin 2; plus strand). Cytogenetic location: 22q12.2.
Variant type: single nucleotide variant.
Coding change: c.343A>G on transcript NM_000355.4 (MANE Select); coding-DNA position 343, A replaced by G.
Protein change: p.Asn115Asp; replaces asparagine 115 with aspartic acid.
Molecular consequence: missense variant.
Genome position (GRCh38, 1-based): chr22:30,612,958, A>G. VCF-style: chr22-30612958-A-G. GRCh37 (hg19) VCF-style: chr22-31008945-A-G.
Other names: c.343A>G, p.Asn115Asp (NM_001184726.2); short protein forms N115D.
Identifiers: ClinVar variation 1922516 (VCV001922516.5), dbSNP rs2517903542, ClinGen allele CA411208664.

ClinVar aggregate classification (germline): Uncertain significance (1 of 4 stars; one submission).

Conditions:
Transcobalamin II deficiency (TCN2D). Also called: Transcolabamin II deficiency; TC II DEFICIENCY; TCN2 DEFICIENCY. Identifiers: Orphanet 859, MedGen C0342701, MONDO:0010149, OMIM 275350.

Allele frequency attached by ClinVar (database versions not stated): gnomAD exomes below 0.00001.

Submission:

Labcorp Genetics (formerly Invitae), Labcorp
Classification: Uncertain significance for Transcobalamin II deficiency. Last evaluated: 2022-07-29. Review status: criteria provided, single submitter. Criteria: Invitae Variant Classification Sherloc (09022015). Collection method: clinical testing. Allele origin: germline.
Comment: This variant is not present in population databases (gnomAD no frequency). This sequence change replaces asparagine, which is neutral and polar, with aspartic acid, which is acidic and polar, at codon 115 of the TCN2 protein (p.Asn115Asp). This variant has not been reported in the literature in individuals affected with TCN2-related conditions. In summary, the available evidence is currently insufficient to determine the role of this variant in disease. Therefore, it has been classified as a Variant of Uncertain Significance. Algorithms developed to predict the effect of sequence changes on RNA splicing suggest that this variant may disrupt the consensus splice site. Algorithms developed to predict the effect of missense changes on protein structure and function are either unavailable or do not agree on the potential impact of this missense change (SIFT: "Tolerated"; PolyPhen-2: "Probably Damaging"; Align-GVGD: "Class C0").